The following is an entry in ClinVar:

ClinVar aggregate classification (germline): Pathogenic (1 of 4 stars; one submission).

Conditions:
Retinoblastoma (RB1). Also called: RETINOBLASTOMA, SOMATIC. Identifiers: Orphanet 790, MedGen C0035335, MeSH D012175, MONDO:0008380, OMIM 180200, HP:0009919. Disease mechanism: loss of function. Inheritance: Both sporadic and heritable forms are tested..

Submission:

Labcorp Genetics (formerly Invitae), Labcorp
Classification: Pathogenic for Retinoblastoma. Last evaluated: 2019-03-27. Review status: criteria provided, single submitter. Criteria: Invitae Variant Classification Sherloc (09022015). Collection method: clinical testing. Allele origin: germline.
Comment: Loss-of-function variants in RB1 are known to be pathogenic (PMID: 17096365). For these reasons, this variant has been classified as Pathogenic. This variant has been reported in an individual affected with bilateral retinoblastoma (PMID: 8605116). This variant is not present in population databases (ExAC no frequency). This sequence change creates a premature translational stop signal (p.Ser838*) in the RB1 gene. It is expected to result in an absent or disrupted protein product.

Literature cited by the submitters: PubMed 17096365; PubMed 8605116.

NM_000321.3(RB1):c.2513C>G (p.Ser838Ter)

Gene: RB1 (RB transcriptional corepressor 1; plus strand). Cytogenetic location: 13q14.2.
Variant type: single nucleotide variant.
Coding change: c.2513C>G on transcript NM_000321.3 (MANE Select); coding-DNA position 2513, C replaced by G.
Protein change: p.Ser838Ter; replaces serine 838 with a stop codon.
Molecular consequence: nonsense.
Genome position (GRCh38, 1-based): chr13:48,473,383, C>G. VCF-style: chr13-48473383-C-G. GRCh37 (hg19) VCF-style: chr13-49047519-C-G.
Other names: short protein forms S838*.
Identifiers: ClinVar variation 579093 (VCV000579093.10), dbSNP rs1131690908, ClinGen allele CA388168152.